The following is an entry in ClinVar:

NM_001374736.1(DST):c.1588A>G (p.Thr530Ala)

Gene: DST (dystonin; minus strand). Cytogenetic location: 6p12.1.
Variant type: single nucleotide variant.
Coding change: c.1588A>G on transcript NM_001374736.1 (MANE Select); coding-DNA position 1588, A replaced by G.
Protein change: p.Thr530Ala; replaces threonine 530 with alanine.
Molecular consequence: missense variant.
Genome position (GRCh38, 1-based): chr6:56,646,149, T>C on the plus strand (A>G on the coding strand, the complement: DST is on the minus strand). VCF-style: chr6-56646149-T-C. GRCh37 (hg19) VCF-style: chr6-56510947-T-C.
Other names: c.1489A>G, p.Thr497Ala (NM_001144769.5); c.1075A>G, p.Thr359Ala (NM_001144770.2); c.1588A>G, p.Thr530Ala (NM_001374722.1); c.955A>G, p.Thr319Ala (NM_001374729.1, NM_001374730.1, NM_001386100.1 and 1 more transcripts); c.1615A>G, p.Thr539Ala (NM_001374734.1); short protein forms T319A, T359A, T497A, T530A, T539A.
Identifiers: ClinVar variation 3048879 (VCV003048879.3), dbSNP rs191938592, ClinGen allele CA3871666.

ClinVar aggregate classification (germline): Benign (1 of 4 stars; one submission).

Conditions:
DST-related disorder. Also called: DST-related condition; DST-related disorders.

Allele frequency attached by ClinVar (database versions not stated): gnomAD exomes 0.00023; ExAC 0.00149; 1000 Genomes Project 30x 0.00234; 1000 Genomes Project 0.00240; ESP Exome Variant Server 0.00284; gnomAD 0.00331; TOPMed 0.00336.
gnomAD v4.1: 823 of 1,529,338 alleles (0.054%); highest among the groups gnomAD compares: African/African-American, 1.1%; 5 homozygotes.

Submission:

PreventionGenetics, part of Exact Sciences
Classification: Benign for DST-related condition. Last evaluated: 2025-05-07. Review status: criteria provided, single submitter. Criteria: ACMG Guidelines, 2015. Collection method: clinical testing. Allele origin: germline.
Comment: This variant is classified as benign based on ACMG/AMP sequence variant interpretation guidelines (Richards et al. 2015 PMID: 25741868, with internal and published modifications).